The following is an entry in ClinVar:

ClinVar aggregate classification (germline): Uncertain significance (1 of 4 stars; one submission).

Conditions:
Hereditary cancer-predisposing syndrome. Also called: Tumor predisposition; Hereditary neoplastic syndrome; Neoplastic Syndromes, Hereditary; Hereditary Cancer Syndrome. Identifiers: Orphanet 140162, MedGen C0027672, MeSH D009386, MONDO:0015356.

Submission:

Ambry Genetics
Classification: Uncertain significance for Hereditary cancer-predisposing syndrome. Last evaluated: 2025-05-18. Review status: criteria provided, single submitter. Criteria: Ambry Variant Classification Scheme 2023. Collection method: clinical testing. Allele origin: germline.
Comment: The p.D1168H variant (also known as c.3502G>C), located in coding exon 28 of the EGFR gene, results from a G to C substitution at nucleotide position 3502. The aspartic acid at codon 1168 is replaced by histidine, an amino acid with similar properties. This amino acid position is highly conserved in available vertebrate species. In addition, the in silico prediction for this alteration is inconclusive. Based on the available evidence, the clinical significance of this variant remains unclear.

NM_005228.5(EGFR):c.3502G>C (p.Asp1168His)

Gene: EGFR (epidermal growth factor receptor; plus strand). Cytogenetic location: 7p11.2.
Variant type: single nucleotide variant.
Coding change: c.3502G>C on transcript NM_005228.5 (MANE Select); coding-DNA position 3502, G replaced by C.
Protein change: p.Asp1168His; replaces aspartic acid 1168 with histidine.
Molecular consequence: missense variant.
Genome position (GRCh38, 1-based): chr7:55,205,486, G>C. VCF-style: chr7-55205486-G-C. GRCh37 (hg19) VCF-style: chr7-55273179-G-C.
Other names: c.3367G>C, p.Asp1123His (NM_001346899.2); c.3343G>C, p.Asp1115His (NM_001346900.2); c.2701G>C, p.Asp901His (NM_001346941.2); short protein forms D1123H, D1168H, D1115H, D901H.
Identifiers: ClinVar variation 4016757 (VCV004016757.1).